The following is an entry in ClinVar:

ClinVar aggregate classification (germline): Uncertain significance (1 of 4 stars; one submission).

Allele frequency attached by ClinVar (database versions not stated): gnomAD exomes below 0.00001.
gnomAD v4.1: 2 of 1,613,596 alleles (0.00012%); highest among the groups gnomAD compares: Non-Finnish European, 0.00017%; no homozygotes.

Submission:

Labcorp Genetics (formerly Invitae), Labcorp
Classification: Uncertain significance. Last evaluated: 2022-03-18. Review status: criteria provided, single submitter. Criteria: Invitae Variant Classification Sherloc (09022015). Collection method: clinical testing. Allele origin: germline.
Comment: Algorithms developed to predict the effect of missense changes on protein structure and function are either unavailable or do not agree on the potential impact of this missense change (SIFT: "Deleterious"; PolyPhen-2: "Probably Damaging"; Align-GVGD: "Class C0"). This variant has not been reported in the literature in individuals affected with ANLN-related conditions. This variant is not present in population databases (gnomAD no frequency). This sequence change replaces serine, which is neutral and polar, with phenylalanine, which is neutral and non-polar, at codon 800 of the ANLN protein (p.Ser800Phe). In summary, the available evidence is currently insufficient to determine the role of this variant in disease. Therefore, it has been classified as a Variant of Uncertain Significance.

NM_018685.5(ANLN):c.2399C>T (p.Ser800Phe)

Gene: ANLN (anillin, actin binding protein; plus strand). Cytogenetic location: 7p14.2.
Variant type: single nucleotide variant.
Coding change: c.2399C>T on transcript NM_018685.5 (MANE Select); coding-DNA position 2399, C replaced by T.
Protein change: p.Ser800Phe; replaces serine 800 with phenylalanine.
Molecular consequence: missense variant.
Genome position (GRCh38, 1-based): chr7:36,422,732, C>T. VCF-style: chr7-36422732-C-T. GRCh37 (hg19) VCF-style: chr7-36462341-C-T.
Other names: c.2288C>T, p.Ser763Phe (NM_001284301.3); c.2285C>T, p.Ser762Phe (NM_001284302.3); short protein forms S800F, S762F, S763F.
Identifiers: ClinVar variation 2113853 (VCV002113853.4), dbSNP rs2534630101, ClinGen allele CA367213811.